The following is an entry in ClinVar:

NM_002691.4(POLD1):c.661G>A (p.Ala221Thr)

Gene: POLD1 (DNA polymerase delta 1, catalytic subunit; plus strand). Cytogenetic location: 19q13.33.
Variant type: single nucleotide variant.
Coding change: c.661G>A on transcript NM_002691.4 (MANE Select); coding-DNA position 661, G replaced by A.
Protein change: p.Ala221Thr; replaces alanine 221 with threonine.
Molecular consequence: missense variant. On other transcripts: non-coding transcript variant (1).
Genome position (GRCh38, 1-based): chr19:50,402,276, G>A. VCF-style: chr19-50402276-G-A. GRCh37 (hg19) VCF-style: chr19-50905533-G-A.
Other names: c.661G>A, p.Ala221Thr (NM_001256849.1, NM_001308632.1); short protein forms A221T.
Identifiers: ClinVar variation 2103054 (VCV002103054.4), dbSNP rs1023405690, ClinGen allele CA406974197.

ClinVar aggregate classification (germline): Uncertain significance (1 of 4 stars; one submission).

Conditions:
POLD1-related polyposis and colorectal cancer syndrome (CRCS10). Also called: Colorectal cancer 10; COLORECTAL CANCER, SUSCEPTIBILITY TO, ON CHROMOSOME 19q; Colorectal cancer, susceptibility to, 10. Identifiers: Orphanet 220460, MedGen C2675481, MONDO:0012953, OMIM 612591.

Submission:

Labcorp Genetics (formerly Invitae), Labcorp
Classification: Uncertain significance for POLD1-related polyposis and colorectal cancer syndrome. Last evaluated: 2022-02-24. Review status: criteria provided, single submitter. Criteria: Invitae Variant Classification Sherloc (09022015). Collection method: clinical testing. Allele origin: germline.
Comment: In summary, the available evidence is currently insufficient to determine the role of this variant in disease. Therefore, it has been classified as a Variant of Uncertain Significance. Algorithms developed to predict the effect of sequence changes on RNA splicing suggest that this variant may create or strengthen a splice site. Algorithms developed to predict the effect of missense changes on protein structure and function are either unavailable or do not agree on the potential impact of this missense change (SIFT: "Tolerated"; PolyPhen-2: "Probably Damaging"; Align-GVGD: "Class C0"). This variant has not been reported in the literature in individuals affected with POLD1-related conditions. This variant is not present in population databases (gnomAD no frequency). This sequence change replaces alanine, which is neutral and non-polar, with threonine, which is neutral and polar, at codon 221 of the POLD1 protein (p.Ala221Thr).